The following is an entry in ClinVar:

ClinVar aggregate classification (germline): Likely benign (0 of 4 stars; one submission).

Conditions:
SEMA3C-related disorder. Also called: SEMA3C-related condition.

Submission:

PreventionGenetics, part of Exact Sciences
Classification: Likely benign for SEMA3C-related condition. Last evaluated: 2024-08-24. Review status: no assertion criteria provided. Collection method: clinical testing. Allele origin: germline.
Comment: This variant is classified as likely benign based on ACMG/AMP sequence variant interpretation guidelines (Richards et al. 2015 PMID: 25741868, with internal and published modifications).

NM_006379.5(SEMA3C):c.1443+10T>C

Gene: SEMA3C (semaphorin 3C; minus strand). Cytogenetic location: 7q21.11.
Variant type: single nucleotide variant.
Coding change: c.1443+10T>C on transcript NM_006379.5 (MANE Select); 10 bases into the intron after coding-DNA position 1443, T replaced by C.
Molecular consequence: intron variant.
Genome position (GRCh38, 1-based): chr7:80,765,145, A>G on the plus strand (T>C on the coding strand, the complement: SEMA3C is on the minus strand). VCF-style: chr7-80765145-A-G. GRCh37 (hg19) VCF-style: chr7-80394461-A-G.
Other names: c.1497+10T>C (NM_001350120.2); c.1269+10T>C (NM_001350121.2).
Identifiers: ClinVar variation 3348244 (VCV003348244.1).
Genomic context (GRCh38, chr7:80,765,145, plus strand): 5'-AAGTGGCTGTAAGATTAAAGAATTCCACTCATCATGCATGTTCTGAGATTAATAGAAGAG[A>G]TGTTCAAACCTTAAAGACTTCCAGCTCCTCCAGAATGAGCTCGCCACTGACAGAGTTGTT-3'